The following is an entry in ClinVar:

ClinVar aggregate classification (germline): Uncertain significance (1 of 4 stars; one submission).

Submission:

Labcorp Genetics (formerly Invitae), Labcorp
Classification: Uncertain significance. Last evaluated: 2022-08-07. Review status: criteria provided, single submitter. Criteria: Invitae Variant Classification Sherloc (09022015). Collection method: clinical testing. Allele origin: germline.
Comment: In summary, the available evidence is currently insufficient to determine the role of this variant in disease. Therefore, it has been classified as a Variant of Uncertain Significance. Algorithms developed to predict the effect of missense changes on protein structure and function output the following: SIFT: "Tolerated"; PolyPhen-2: "Benign"; Align-GVGD: "Class C0". The threonine amino acid residue is found in multiple mammalian species, which suggests that this missense change does not adversely affect protein function. This variant has not been reported in the literature in individuals affected with DSTYK-related conditions. This variant is not present in population databases (gnomAD no frequency). This sequence change replaces serine, which is neutral and polar, with threonine, which is neutral and polar, at codon 144 of the DSTYK protein (p.Ser144Thr).

NM_015375.3(DSTYK):c.431G>C (p.Ser144Thr)

Gene: DSTYK (dual serine/threonine and tyrosine protein kinase; minus strand). Cytogenetic location: 1q32.1.
Variant type: single nucleotide variant.
Coding change: c.431G>C on transcript NM_015375.3 (MANE Select); coding-DNA position 431, G replaced by C.
Protein change: p.Ser144Thr; replaces serine 144 with threonine.
Molecular consequence: missense variant.
Genome position (GRCh38, 1-based): chr1:205,187,641, C>G on the plus strand (G>C on the coding strand, the complement: DSTYK is on the minus strand). VCF-style: chr1-205187641-C-G. GRCh37 (hg19) VCF-style: chr1-205156769-C-G.
Other names: c.431G>C, p.Ser144Thr (NM_199462.3); short protein forms S144T.
Identifiers: ClinVar variation 2127117 (VCV002127117.4), dbSNP rs759554676, ClinGen allele CA344404663.
Genomic context (GRCh38, chr1:205,187,641, plus strand): 5'-CTGACCCGAGTCTGAGTCCCATAGGTGAAGCGGAGGCGCCGAAGCTTACAGCTCTCCTCA[C>G]TGCCCAGCTTGGTGGTGGGAAGCACCTGCACCCCCAACAGCAGATTCAACAGCTGGCACT-3'
Protein context (NP_056190.1, residues 134-154): VQVLPTTKLG[Ser144Thr]EESCKLRRLR